The following is an entry in ClinVar:

ClinVar aggregate classification (germline): Benign. Review status: criteria provided, multiple submitters, no conflicts (2 of 4 stars). 3 submissions from 2 submitters: Benign (3). Last evaluated 2018-01-13.

Conditions:
Amyotrophic lateral sclerosis type 12 (ALS12). Also called: AMYOTROPHIC LATERAL SCLEROSIS 12 WITH OR WITHOUT FRONTOTEMPORAL DEMENTIA. Identifiers: Orphanet 803, MedGen C3150692, MONDO:0013264, OMIM 613435.
Primary open angle glaucoma (POAG). Also called: OPTN-related open angle glaucoma. Identifiers: MedGen C0339573, MONDO:0100553, OMIM 137760.

Allele frequency attached by ClinVar (database versions not stated): 1000 Genomes Project 30x 0.16786; 1000 Genomes Project 0.17312; gnomAD 0.18691; TOPMed 0.19382; gnomAD exomes 0.20028.
gnomAD v4.1: 29,876 of 152,900 alleles (20%); highest among the groups gnomAD compares: Middle Eastern, 29%; 3,544 homozygotes.

Submissions (3):

Illumina Laboratory Services, Illumina
Classification: Benign for Amyotrophic lateral sclerosis type 12. Last evaluated: 2018-01-13. Review status: criteria provided, single submitter. Criteria: ICSL Variant Classification Criteria 13 December 2019. Collection method: clinical testing. Allele origin: germline.
Comment: This variant was observed in the ICSL laboratory as part of a predisposition screen in an ostensibly healthy population. It had not been previously curated by ICSL or reported in the Human Gene Mutation Database (HGMD: prior to June 1st, 2018), and was therefore a candidate for classification through an automated scoring system. Utilizing variant allele frequency, disease prevalence and penetrance estimates, and inheritance mode, an automated score was calculated to assess if this variant is too frequent to cause the disease. Based on the score and internal cut-off values, a variant classified as benign is not then subjected to further curation. The score for this variant resulted in a classification of benign for this disease.

Illumina Laboratory Services, Illumina
Classification: Benign for Primary open angle glaucoma. Last evaluated: 2018-01-13. Review status: criteria provided, single submitter. Criteria: ICSL Variant Classification Criteria 13 December 2019. Collection method: clinical testing. Allele origin: germline.
Comment: the same text as in the submission from Illumina Laboratory Services, Illumina above.

Breakthrough Genomics
Classification: Benign. Review status: criteria provided, single submitter. Criteria: ACMG Guidelines, 2015. Collection method: not provided. Allele origin: germline. Inheritance: Autosomal recessive inheritance. Affected: yes.

NM_001008212.2(OPTN):c.-215G>A

Genes: OPTN (optineurin; plus strand), LOC130003370 (ATAC-STARR-seq lymphoblastoid silent region 2150; plus strand). Cytogenetic location: 10p13.
Variant type: single nucleotide variant.
Coding change: c.-215G>A on transcript NM_001008212.2 (MANE Select); 215 bases upstream of the start codon, G replaced by A.
Molecular consequence: 5 prime UTR variant.
Genome position (GRCh38, 1-based): chr10:13,100,251, G>A. VCF-style: chr10-13100251-G-A. GRCh37 (hg19) VCF-style: chr10-13142251-G-A.
Other names: c.-284G>A (NM_001008211.1); c.-269G>A (NM_001008213.1); c.-63G>A (NM_021980.4).
Identifiers: ClinVar variation 299207 (VCV000299207.6), dbSNP rs11548142, ClinGen allele CA10631198.